The following is an entry in ClinVar:

ClinVar aggregate classification (germline): Uncertain significance (1 of 4 stars; one submission).

Allele frequency attached by ClinVar (database versions not stated): gnomAD exomes 0.00001 and 0.00002; ExAC 0.00003; gnomAD 0.00005; TOPMed 0.00005; ESP Exome Variant Server 0.00008; 1000 Genomes Project 30x 0.00016; 1000 Genomes Project 0.00020.
gnomAD v4.1: 17 of 1,614,018 alleles (0.0011%); highest among the groups gnomAD compares: African/African-American, 0.02%; no homozygotes.

Submission:

GeneDx
Classification: Uncertain significance. Last evaluated: 2019-10-29. Review status: criteria provided, single submitter. Criteria: GeneDx Variant Classification Process June 2021. Collection method: clinical testing. Allele origin: germline. Affected: yes.
Comment: In silico analysis, which includes protein predictors and evolutionary conservation, supports that this variant does not alter protein structure/function; Has not been previously published as pathogenic or benign to our knowledge

NM_020987.5(ANK3):c.4504C>T (p.Pro1502Ser)

Gene: ANK3 (ankyrin 3; minus strand). Cytogenetic location: 10q21.2.
Variant type: single nucleotide variant.
Coding change: c.4504C>T on transcript NM_020987.5 (MANE Select); coding-DNA position 4504, C replaced by T.
Protein change: p.Pro1502Ser; replaces proline 1502 with serine.
Molecular consequence: missense variant. On other transcripts: intron variant (4).
Genome position (GRCh38, 1-based): chr10:60,076,377, G>A on the plus strand (C>T on the coding strand, the complement: ANK3 is on the minus strand). VCF-style: chr10-60076377-G-A. GRCh37 (hg19) VCF-style: chr10-61836135-G-A.
Other names: c.4387+4160C>T (NM_001204403.2); c.4408+4160C>T (NM_001204404.2); c.4405+4160C>T (NM_001320874.2); c.1807+4160C>T (NM_001149.4); short protein forms P1502S.
Identifiers: ClinVar variation 423879 (VCV000423879.4), dbSNP rs142748584, ClinGen allele CA5512165.